The following is an entry in ClinVar:

ClinVar aggregate classification (germline): Uncertain significance (1 of 4 stars; one submission).

Conditions:
Early-onset Parkinson disease 20. Also called: PARKINSON DISEASE 20, AUTOSOMAL RECESSIVE EARLY-ONSET. Identifiers: Orphanet 391411, MedGen C3809824, MONDO:0014233, OMIM 615530.
Developmental and epileptic encephalopathy, 53. Also called: Epileptic encephalopathy, early infantile, 53. Identifiers: MedGen C4479313, MONDO:0033362, OMIM 617389.

Allele frequency attached by ClinVar (database versions not stated): gnomAD 0.00001; TOPMed 0.00003.
gnomAD v4.1: 2 of 1,614,048 alleles (0.00012%); highest among the groups gnomAD compares: African/African-American, 0.0027%; no homozygotes.

Submission:

Labcorp Genetics (formerly Invitae), Labcorp
Classification: Uncertain significance for Developmental and epileptic encephalopathy, 53; Early-onset Parkinson disease 20. Last evaluated: 2021-09-01. Review status: criteria provided, single submitter. Criteria: Invitae Variant Classification Sherloc (09022015). Collection method: clinical testing. Allele origin: germline.
Comment: This sequence change replaces glutamic acid with aspartic acid at codon 249 of the SYNJ1 protein (p.Glu249Asp). The glutamic acid residue is highly conserved and there is a small physicochemical difference between glutamic acid and aspartic acid. This variant is not present in population databases (ExAC no frequency). This variant has not been reported in the literature in individuals affected with SYNJ1-related conditions. Algorithms developed to predict the effect of missense changes on protein structure and function are either unavailable or do not agree on the potential impact of this missense change (SIFT: "Deleterious"; PolyPhen-2: "Benign"; Align-GVGD: "Class C35"). In summary, the available evidence is currently insufficient to determine the role of this variant in disease. Therefore, it has been classified as a Variant of Uncertain Significance.

NM_203446.3(SYNJ1):c.630A>T (p.Glu210Asp)

Gene: SYNJ1 (synaptojanin 1; minus strand). Cytogenetic location: 21q22.11.
Variant type: single nucleotide variant.
Coding change: c.630A>T on transcript NM_203446.3 (MANE Select); coding-DNA position 630, A replaced by T.
Protein change: p.Glu210Asp; replaces glutamic acid 210 with aspartic acid.
Molecular consequence: missense variant.
Genome position (GRCh38, 1-based): chr21:32,695,132, T>A on the plus strand (A>T on the coding strand, the complement: SYNJ1 is on the minus strand). VCF-style: chr21-32695132-T-A. GRCh37 (hg19) VCF-style: chr21-34067442-T-A.
Other names: c.630A>T, p.Glu210Asp (NM_001160302.2, NM_001160306.2); c.747A>T, p.Glu249Asp (NM_003895.4); short protein forms E249D, E210D.
Identifiers: ClinVar variation 570013 (VCV000570013.6), dbSNP rs1377390036, ClinGen allele CA410098170.
Genomic context (GRCh38, chr21:32,695,132, plus strand): 5'-AAAATTGGCAACATGACCATCATCATTTGTTCCCCGGACATTAAACCTGGTCCCAGCTCG[T>A]TCACAGCTTAATCTTGAAATGAGGCAAGCCTTCGCCTGTTTATGAGCAGCATAAATTGTT-3'
Protein context (NP_982271.3, residues 200-220): KACLISRLSC[Glu210Asp]RAGTRFNVRG